The following is an entry in ClinVar:

NM_003070.5(SMARCA2):c.209T>A (p.Met70Lys)

Gene: SMARCA2 (SWI/SNF related, matrix associated, actin dependent regulator of chromatin, subfamily a, member 2; plus strand). Cytogenetic location: 9p24.3.
Variant type: single nucleotide variant.
Coding change: c.209T>A on transcript NM_003070.5 (MANE Select); coding-DNA position 209, T replaced by A.
Protein change: p.Met70Lys; replaces methionine 70 with lysine.
Molecular consequence: missense variant.
Genome position (GRCh38, 1-based): chr9:2,029,231, T>A. VCF-style: chr9-2029231-T-A. GRCh37 (hg19) VCF-style: chr9-2029231-T-A.
Other names: c.209T>A, p.Met70Lys (NM_001289396.2, NM_001289397.2, NM_139045.4); short protein forms M70K.
Identifiers: ClinVar variation 1311613 (VCV001311613.2), dbSNP rs2130179805, ClinGen allele CA372779383.

ClinVar aggregate classification (germline): Uncertain significance (1 of 4 stars; one submission).

Submission:

GeneDx
Classification: Uncertain significance. Last evaluated: 2019-12-31. Review status: criteria provided, single submitter. Criteria: GeneDx Variant Classification Process June 2021. Collection method: clinical testing. Allele origin: germline. Affected: yes.
Comment: Not observed in large population cohorts (Lek et al., 2016); In silico analysis, which includes protein predictors and evolutionary conservation, supports a deleterious effect; Has not been previously published as pathogenic or benign to our knowledge